The following is an entry in ClinVar:

ClinVar aggregate classification (germline): Pathogenic (1 of 4 stars; one submission).

Conditions:
Familial hypocalciuric hypercalcemia (FHH). Also called: Familial benign hypercalcemia. Identifiers: Orphanet 405, MedGen C1809471, MONDO:0018458.
Autosomal dominant hypocalcemia 1 (HYPOC1). Also called: HYPOCALCEMIA, FAMILIAL. Identifiers: MedGen C3715128, MONDO:0011013, OMIM 601198.

Submission:

Labcorp Genetics (formerly Invitae), Labcorp
Classification: Pathogenic for Familial hypocalciuric hypercalcemia; Autosomal dominant hypocalcemia 1. Last evaluated: 2021-10-25. Review status: criteria provided, single submitter. Criteria: Invitae Variant Classification Sherloc (09022015). Collection method: clinical testing. Allele origin: germline.
Comment: This sequence change creates a premature translational stop signal (p.Lys601Argfs*26) in the CASR gene. While this is not anticipated to result in nonsense mediated decay, it is expected to disrupt the last 478 amino acid(s) of the CASR protein. This variant is not present in population databases (gnomAD no frequency). Algorithms developed to predict the effect of sequence changes on RNA splicing suggest that this variant may create or strengthen a splice site. This variant disrupts a region of the CASR protein in which other variant(s) (p.Trp718*) have been determined to be pathogenic (PMID: 9395465, 18796518). This suggests that this is a clinically significant region of the protein, and that variants that disrupt it are likely to be disease-causing. For these reasons, this variant has been classified as Pathogenic. This variant has not been reported in the literature in individuals affected with CASR-related conditions.

Literature cited by the submitters: PubMed 9395465; PubMed 18796518.

NM_000388.4(CASR):c.1802del (p.Lys601fs)

Gene: CASR (calcium sensing receptor; plus strand). Cytogenetic location: 3q21.1.
Variant type: Deletion.
Coding change: c.1802del on transcript NM_000388.4 (MANE Select); coding-DNA position 1802, one base deleted (A; older notation c.1802delA).
Protein change: p.Lys601fs; shifts the reading frame from lysine 601.
Molecular consequence: frameshift variant.
Genome position (GRCh38, 1-based): chr3:122,283,756, A deleted; the last of 2 consecutive A bases (chr3:122,283,755-122,283,756); deleting either gives the same sequence. VCF-style (leftmost placement, unchanged base first): chr3-122283754-CA-C. GRCh37 (hg19) VCF-style: chr3-122002601-CA-C.
Other names: c.1832del, p.Lys611fs (NM_001178065.2); short protein forms K601fs, K611fs.
Identifiers: ClinVar variation 1425273 (VCV001425273.6), dbSNP rs2107649423, ClinGen allele CA2573136448.